The following is an entry in ClinVar:

ClinVar aggregate classification (germline): Uncertain significance (1 of 4 stars; one submission).

Allele frequency attached by ClinVar (database versions not stated): ExAC 0.00001; gnomAD 0.00001; TOPMed 0.00001.
gnomAD v4.1: 11 of 1,610,604 alleles (0.00068%); highest among the groups gnomAD compares: Admixed American, 0.005%; no homozygotes.

Submission:

Ambry Genetics
Classification: Uncertain significance. Last evaluated: 2023-11-05. Review status: criteria provided, single submitter. Criteria: Ambry Variant Classification Scheme 2023. Collection method: clinical testing. Allele origin: germline.
Comment: The p.V758L variant (also known as c.2272G>T), located in coding exon 19 of the BUB1 gene, results from a G to T substitution at nucleotide position 2272. The valine at codon 758 is replaced by leucine, an amino acid with highly similar properties. This amino acid position is conserved. In addition, this alteration is predicted to be tolerated by in silico analysis. Since supporting evidence is limited at this time, the clinical significance of this alteration remains unclear.

NM_004336.5(BUB1):c.2272G>T (p.Val758Leu)

Gene: BUB1 (BUB1 mitotic checkpoint serine/threonine kinase; minus strand). Cytogenetic location: 2q13.
Variant type: single nucleotide variant.
Coding change: c.2272G>T on transcript NM_004336.5 (MANE Select); coding-DNA position 2272, G replaced by T.
Protein change: p.Val758Leu; replaces valine 758 with leucine.
Molecular consequence: missense variant.
Genome position (GRCh38, 1-based): chr2:110,649,309, C>A on the plus strand (G>T on the coding strand, the complement: BUB1 is on the minus strand). VCF-style: chr2-110649309-C-A. GRCh37 (hg19) VCF-style: chr2-111406886-C-A.
Other names: c.2212G>T, p.Val738Leu (NM_001278616.2); c.2272G>T, p.Val758Leu (NM_001278617.2); short protein forms V738L, V758L.
Identifiers: ClinVar variation 1788811 (VCV001788811.2), dbSNP rs760760872, ClinGen allele CA1827829.